The following is an entry in ClinVar:

ClinVar aggregate classification (germline): Conflicting classifications of pathogenicity. Review status: criteria provided, conflicting classifications (1 of 4 stars). 7 submissions from 7 submitters: Uncertain significance (4); Likely benign (3). Last evaluated 2026-06-10.

Conditions:
DICER1-related tumor predisposition. Also called: DICER1-related pleuropulmonary blastoma cancer predisposition syndrome; DICER1 syndrome. Identifiers: Orphanet 284343, MedGen C3839822, MONDO:0100216.
Hereditary cancer-predisposing syndrome. Also called: Tumor predisposition; Hereditary neoplastic syndrome; Neoplastic Syndromes, Hereditary; Hereditary Cancer Syndrome. Identifiers: Orphanet 140162, MedGen C0027672, MeSH D009386, MONDO:0015356.
DICER1-related disorder. Also called: DICER1-related condition.

Allele frequency attached by ClinVar (database versions not stated): TOPMed 0.00005; gnomAD exomes 0.00010 and 0.00004; ExAC 0.00015; gnomAD 0.00001.
gnomAD v4.1: 53 of 1,613,816 alleles (0.0033%); highest among the groups gnomAD compares: Admixed American, 0.025%; no homozygotes.

Submissions (7):

Ambry Genetics
Classification: Likely benign for Hereditary cancer-predisposing syndrome. Last evaluated: 2026-06-10. Review status: criteria provided, single submitter. Criteria: Ambry Variant Classification Scheme 2023. Collection method: clinical testing. Allele origin: germline.

Labcorp Genetics (formerly Invitae), Labcorp
Classification: Likely benign for DICER1-related tumor predisposition. Last evaluated: 2026-02-03. Review status: criteria provided, single submitter. Criteria: Invitae Variant Classification Sherloc (09022015). Collection method: clinical testing. Allele origin: germline.

GeneDx
Classification: Uncertain significance. Last evaluated: 2025-04-18. Review status: criteria provided, single submitter. Criteria: GeneDx Variant Classification Process June 2021. Collection method: clinical testing. Allele origin: germline. Affected: yes.
Comment: In silico analysis indicates that this missense variant does not alter protein structure/function; Has not been previously published as pathogenic or benign to our knowledge

Quest Diagnostics Nichols Institute San Juan Capistrano
Classification: Uncertain significance. Last evaluated: 2024-10-11. Review status: criteria provided, single submitter. Criteria: Quest Diagnostics criteria. Collection method: clinical testing. Allele origin: unknown.
Comment: The DICER1 c.5762A>G (p.Asn1921Ser) variant has not been reported in individuals with DICER1-related conditions in the published literature. The frequency of this variant in the general population, 0.00035 (12/34586 chromosomes in Admixed American subpopulation (Genome Aggregation Database)), is higher than would generally be expected for pathogenic variants in this gene. Analysis of this variant using bioinformatics tools for the prediction of the effect of amino acid changes on protein structure and function yielded predictions that this variant is benign. Based on the available information, we are unable to determine the clinical significance of this variant.

PreventionGenetics, part of Exact Sciences
Classification: Uncertain significance for DICER1-related condition. Last evaluated: 2023-03-02. Review status: criteria provided, single submitter. Criteria: ACMG Guidelines, 2015. Collection method: clinical testing. Allele origin: germline.
Comment: The DICER1 c.5762A>G variant is predicted to result in the amino acid substitution p.Asn1921Ser. To our knowledge, this variant has not been reported in the literature. This variant is reported in 0.035% of alleles in individuals of Latino descent in gnomAD. In ClinVar, this variant has conflicting interpretations of likely benign and uncertain significance. At this time, the clinical significance of this variant is uncertain due to the absence of conclusive functional and genetic evidence.

Sema4
Classification: Likely benign for Hereditary cancer-predisposing syndrome. Last evaluated: 2021-12-20. Review status: criteria provided, single submitter. Criteria: Sema4 Curation Guidelines. Collection method: curation. Allele origin: germline.

ARUP Laboratories, Molecular Genetics and Genomics, ARUP Laboratories
Classification: Uncertain significance. Last evaluated: 2020-05-11. Review status: criteria provided, single submitter. Criteria: ARUP Molecular Germline Variant Investigation Process. Collection method: clinical testing. Allele origin: germline.
Comment: The DICER1 c.5762A>G; p.Asn1921Ser variant (rs764747360), to our knowledge, is not reported in the medical literature but is reported in the ClinVar database (Variation ID: 477273). This variant is found in the general population with an overall allele frequency of 0.01% (24/251370 alleles) in the Genome Aggregation Database. The asparagine at codon 1921 is moderately conserved, but computational analyses (SIFT: Damaging, PolyPhen-2: Benign) predict conflicting effects of this variant on protein structure/function. Due to limited information, the clinical significance of this variant is uncertain at this time.

NM_177438.3(DICER1):c.5762A>G (p.Asn1921Ser)

Gene: DICER1 (dicer 1, ribonuclease III; minus strand). Cytogenetic location: 14q32.13.
Variant type: single nucleotide variant.
Coding change: c.5762A>G on transcript NM_177438.3 (MANE Select); coding-DNA position 5762, A replaced by G.
Protein change: p.Asn1921Ser; replaces asparagine 1921 with serine.
Molecular consequence: missense variant. On other transcripts: 3 prime UTR variant (1).
Genome position (GRCh38, 1-based): chr14:95,090,505, T>C on the plus strand (A>G on the coding strand, the complement: DICER1 is on the minus strand). VCF-style: chr14-95090505-T-C. GRCh37 (hg19) VCF-style: chr14-95556842-T-C.
Other names: c.*109A>G (NM_001195573.1); c.5762A>G, p.Asn1921Ser (NM_001271282.3, NM_001291628.2, NM_030621.4); short protein forms N1921S.
Identifiers: ClinVar variation 477273 (VCV000477273.27), dbSNP rs764747360, ClinGen allele CA7330595.
Genomic context (GRCh38, chr14:95,090,505, plus strand): 5'-TTCCCCTTAATTTTTTTTGTTTTGTTTCTTGTTTTGAATTTTAAAAAGCGGTTTCAGCTA[T>C]TGGGAACCTGAGGTTGATTAGCTTTGAGGCTTCGGAGGGCTCTTCTTGCTGCTGCAGATT-3'
Protein context (NP_803187.1, residues 1911-1922): SLKANQPQVP[Asn1921Ser]S